The following is an entry in ClinVar:

NM_004168.4(SDHA):c.745G>A (p.Ala249Thr)

Gene: SDHA (succinate dehydrogenase complex flavoprotein subunit A; plus strand). Cytogenetic location: 5p15.33.
Variant type: single nucleotide variant.
Coding change: c.745G>A on transcript NM_004168.4 (MANE Select); coding-DNA position 745, G replaced by A.
Protein change: p.Ala249Thr; replaces alanine 249 with threonine.
Molecular consequence: missense variant.
Genome position (GRCh38, 1-based): chr5:228,308, G>A. VCF-style: chr5-228308-G-A. GRCh37 (hg19) VCF-style: chr5-228423-G-A.
Other names: c.601G>A, p.Ala201Thr (NM_001294332.2); c.745G>A, p.Ala249Thr (NM_001330758.2); c.745G>A (NM_004168.2); short protein forms A201T, A249T.
Identifiers: ClinVar variation 2505534 (VCV002505534.2), dbSNP rs2477317432, ClinGen allele CA359011156.

ClinVar aggregate classification (germline): Uncertain significance. Review status: criteria provided, multiple submitters, no conflicts (2 of 4 stars). 2 submissions from 2 submitters: Uncertain significance (2). Last evaluated 2025-02-16.

Conditions:
Hereditary cancer-predisposing syndrome. Also called: Neoplastic Syndromes, Hereditary; Tumor predisposition; Hereditary Cancer Syndrome; Hereditary neoplastic syndrome. Identifiers: Orphanet 140162, MedGen C0027672, MeSH D009386, MONDO:0015356.
Pheochromocytoma/paraganglioma syndrome 5. Also called: Paragangliomas 5; SDHA-Related Hereditary Paraganglioma-Pheochromocytoma Syndrome. Identifiers: Orphanet 29072, MedGen C3279992, MONDO:0013602, OMIM 614165.

Submissions (2):

Ambry Genetics
Classification: Uncertain significance for Hereditary cancer-predisposing syndrome. Last evaluated: 2025-02-16. Review status: criteria provided, single submitter. Criteria: Ambry Variant Classification Scheme 2023. Collection method: clinical testing. Allele origin: germline.
Comment: The p.A249T variant (also known as c.745G>A), located in coding exon 6 of the SDHA gene, results from a G to A substitution at nucleotide position 745. The alanine at codon 249 is replaced by threonine, an amino acid with similar properties. This amino acid position is conserved. In addition, this alteration is predicted to be deleterious by in silico analysis. Based on the available evidence, the clinical significance of this variant remains unclear.

Dr. med. U. Finckh, Human Genetics, Eurofins MVZ
Classification: Uncertain significance for Pheochromocytoma/paraganglioma syndrome 5. Last evaluated: 2019-07-07. Review status: criteria provided, single submitter. Criteria: ACMG Guidelines, 2015. Collection method: clinical testing. Allele origin: unknown.